The following is an entry in ClinVar:

NM_000053.4(ATP7B):c.2447+5G>A

Gene: ATP7B (ATPase copper transporting beta; minus strand). Cytogenetic location: 13q14.3.
Variant type: single nucleotide variant.
Coding change: c.2447+5G>A on transcript NM_000053.4 (MANE Select); 5 bases into the intron after coding-DNA position 2447, G replaced by A.
Molecular consequence: intron variant.
Genome position (GRCh38, 1-based): chr13:51,957,511, C>T on the plus strand (G>A on the coding strand, the complement: ATP7B is on the minus strand). VCF-style: chr13-51957511-C-T. GRCh37 (hg19) VCF-style: chr13-52531647-C-T.
Other names: c.2114+5G>A (NM_001243182.2); c.1961+5G>A (NM_001005918.3); c.2195+5G>A (NM_001330579.2); c.2213+5G>A (NM_001330578.2).
Identifiers: ClinVar variation 1069716 (VCV001069716.9), dbSNP rs1369012080, ClinGen allele CA609968992.

ClinVar aggregate classification (germline): Pathogenic (1 of 4 stars; one submission).

Conditions:
Wilson disease (WND). Also called: Wilson's disease. Identifiers: Orphanet 905, MedGen C0019202, MONDO:0010200, OMIM 277900. Disease mechanism: loss of function.

Allele frequency attached by ClinVar (database versions not stated): gnomAD exomes below 0.00001.
gnomAD v4.1: 1 of 1,612,390 alleles (0.000062%); highest among the groups gnomAD compares: South Asian, 0.0011%; no homozygotes.

Submission:

Labcorp Genetics (formerly Invitae), Labcorp
Classification: Pathogenic for Wilson disease. Last evaluated: 2023-02-15. Review status: criteria provided, single submitter. Criteria: Invitae Variant Classification Sherloc (09022015). Collection method: clinical testing. Allele origin: germline.
Comment: ClinVar contains an entry for this variant (Variation ID: 1069716). Variants that disrupt the consensus splice site are a relatively common cause of aberrant splicing (PMID: 17576681, 9536098). Algorithms developed to predict the effect of sequence changes on RNA splicing suggest that this variant may disrupt the consensus splice site. This variant disrupts the c.2447+5G nucleotide in the ATP7B gene. Other variant(s) that disrupt this nucleotide have been determined to be pathogenic (PMID: 18034201, 30655162; Invitae). This suggests that this nucleotide is clinically significant, and that variants that disrupt this position are likely to be disease-causing. For these reasons, this variant has been classified as Pathogenic. This variant has been observed in individual(s) with Wilson disease (PMID: 19118915). This sequence change falls in intron 9 of the ATP7B gene. It does not directly change the encoded amino acid sequence of the ATP7B protein. It affects a nucleotide within the consensus splice site. This variant is present in population databases (no rsID available, gnomAD 0.003%).

Literature cited by the submitters: PubMed 17576681; PubMed 9536098; PubMed 18034201; PubMed 30655162; PubMed 19118915.